The following is an entry in ClinVar:

ClinVar aggregate classification (germline): Uncertain significance. Review status: criteria provided, multiple submitters, no conflicts (2 of 4 stars). 3 submissions from 3 submitters: Uncertain significance (3). Last evaluated 2024-01-08.

Conditions:
Hereditary spastic paraplegia 48. Also called: SPASTIC PARAPLEGIA 48, AUTOSOMAL RECESSIVE; Spastic paraplegia 48. Identifiers: Orphanet 306511, MedGen C3150901, MONDO:0013342, OMIM 613647.
Hereditary spastic paraplegia. Also called: Familial spastic paraparesis. Identifiers: Orphanet 685, MedGen C0037773, MONDO:0019064. Disease mechanism: loss of function.
Inborn genetic diseases. Identifiers: MedGen C0950123, MeSH D030342.

Allele frequency attached by ClinVar (database versions not stated): gnomAD exomes below 0.00001 and 0.00001; gnomAD 0.00001.
gnomAD v4.1: 3 of 1,611,372 alleles (0.00019%); highest among the groups gnomAD compares: South Asian, 0.0022%; no homozygotes.

Submissions (3):

Ambry Genetics
Classification: Uncertain significance for Inborn genetic diseases. Last evaluated: 2024-01-08. Review status: criteria provided, single submitter. Criteria: Ambry Variant Classification Scheme 2023. Collection method: clinical testing. Allele origin: germline.

Labcorp Genetics (formerly Invitae), Labcorp
Classification: Uncertain significance for Hereditary spastic paraplegia 48. Last evaluated: 2019-09-29. Review status: criteria provided, single submitter. Criteria: Invitae Variant Classification Sherloc (09022015). Collection method: clinical testing. Allele origin: germline.
Comment: This variant has not been reported in the literature in individuals with AP5Z1-related conditions. This variant is not present in population databases (ExAC no frequency). This sequence change replaces threonine with isoleucine at codon 657 of the AP5Z1 protein (p.Thr657Ile). The threonine residue is moderately conserved and there is a moderate physicochemical difference between threonine and isoleucine. Algorithms developed to predict the effect of missense changes on protein structure and function are either unavailable or do not agree on the potential impact of this missense change (SIFT: "Deleterious"; PolyPhen-2: "Benign"; Align-GVGD: "Class C0"). In summary, the available evidence is currently insufficient to determine the role of this variant in disease. Therefore, it has been classified as a Variant of Uncertain Significance.

Genome Diagnostics Laboratory, The Hospital for Sick Children
Classification: Uncertain significance for Hereditary spastic paraplegia. Last evaluated: 2019-06-01. Review status: criteria provided, single submitter. Criteria: ACMG Guidelines, 2015. Collection method: clinical testing. Allele origin: germline. Affected: yes.

NM_014855.3(AP5Z1):c.1970C>T (p.Thr657Ile)

Gene: AP5Z1 (adaptor related protein complex 5 subunit zeta 1; plus strand). Cytogenetic location: 7p22.1.
Variant type: single nucleotide variant.
Coding change: c.1970C>T on transcript NM_014855.3 (MANE Select); coding-DNA position 1970, C replaced by T.
Protein change: p.Thr657Ile; replaces threonine 657 with isoleucine.
Molecular consequence: missense variant. On other transcripts: non-coding transcript variant (1).
Genome position (GRCh38, 1-based): chr7:4,790,704, C>T. VCF-style: chr7-4790704-C-T. GRCh37 (hg19) VCF-style: chr7-4830335-C-T.
Other names: c.1502C>T, p.Thr501Ile (NM_001364858.1); short protein forms T657I, T501I.
Identifiers: ClinVar variation 947862 (VCV000947862.13), dbSNP rs1243924522, ClinGen allele CA366664552.